The following is an entry in ClinVar:

ClinVar aggregate classification (germline): Conflicting classifications of pathogenicity. Review status: criteria provided, conflicting classifications (1 of 4 stars). 5 submissions from 5 submitters: Uncertain significance (2); Benign (2); Likely benign (1). Last evaluated 2025-12-25.

Conditions:
Combined oxidative phosphorylation defect type 20. Also called: Combined oxidative phosphorylation deficiency 20. Identifiers: Orphanet 420728, MedGen C4014660, MONDO:0014397, OMIM 615917.

Allele frequency attached by ClinVar (database versions not stated): gnomAD exomes 0.00048 and 0.00085; ExAC 0.00101; gnomAD 0.00129 and 0.00135; 1000 Genomes Project 30x 0.00265; ESP Exome Variant Server 0.00154; TOPMed 0.00156; 1000 Genomes Project 0.00240.

Submissions (5):

Labcorp Genetics (formerly Invitae), Labcorp
Classification: Benign. Last evaluated: 2025-12-25. Review status: criteria provided, single submitter. Criteria: Invitae Variant Classification Sherloc (09022015). Collection method: clinical testing. Allele origin: germline.

Mayo Clinic Laboratories, Mayo Clinic
Classification: Benign. Last evaluated: 2025-06-13. Review status: criteria provided, single submitter. Criteria: ACMG Guidelines, 2015. Collection method: clinical testing. Allele origin: germline. Observed: 4 variant alleles.
Comment: BS1, BS2

GeneDx
Classification: Likely benign. Last evaluated: 2020-04-23. Review status: criteria provided, single submitter. Criteria: GeneDx Variant Classification Process June 2021. Collection method: clinical testing. Allele origin: germline. Affected: yes.

Baylor Genetics
Classification: Uncertain significance for Combined oxidative phosphorylation defect type 20. Last evaluated: 2018-12-07. Review status: criteria provided, single submitter. Criteria: ACMG Guidelines, 2015. Collection method: clinical testing. Allele origin: unknown. Affected: yes.
Comment: This variant was determined to be of uncertain significance according to ACMG Guidelines, 2015 [PMID:25741868].

Center for Pediatric Genomic Medicine, Children's Mercy Hospital and Clinics
Classification: Uncertain significance. Last evaluated: 2017-03-30. Review status: criteria provided, single submitter. Criteria: ACMG Guidelines, 2015. Collection method: clinical testing. Allele origin: germline.

NM_020442.6(VARS2):c.2551C>T (p.Arg851Cys)

Gene: VARS2 (valyl-tRNA synthetase 2, mitochondrial; plus strand). Cytogenetic location: 6p21.33.
Variant type: single nucleotide variant.
Coding change: c.2551C>T on transcript NM_020442.6 (MANE Select); coding-DNA position 2551, C replaced by T.
Protein change: p.Arg851Cys; replaces arginine 851 with cysteine.
Molecular consequence: missense variant.
Genome position (GRCh38, 1-based): chr6:30,924,438, C>T. VCF-style: chr6-30924438-C-T. GRCh37 (hg19) VCF-style: chr6-30892215-C-T.
Other names: c.2131C>T, p.Arg711Cys (NM_001167733.3); c.2641C>T, p.Arg881Cys (NM_001167734.2); short protein forms R851C, R881C, R711C.
Identifiers: ClinVar variation 445608 (VCV000445608.20), dbSNP rs138855624, ClinGen allele CA3706303.